The following is an entry in ClinVar:

ClinVar aggregate classification (germline): Uncertain significance (1 of 4 stars; one submission).

Conditions:
Combined immunodeficiency due to LRBA deficiency. Also called: Common variable immunodeficiency 8, with autoimmunity. Identifiers: Orphanet 445018, MedGen C3553512, MONDO:0013863, OMIM 614700.

Allele frequency attached by ClinVar (database versions not stated): gnomAD exomes below 0.00001.
gnomAD v4.1: 2 of 1,611,956 alleles (0.00012%); highest among the groups gnomAD compares: Non-Finnish European, 0.00017%; no homozygotes.

Submission:

Labcorp Genetics (formerly Invitae), Labcorp
Classification: Uncertain significance for Combined immunodeficiency due to LRBA deficiency. Last evaluated: 2019-09-15. Review status: criteria provided, single submitter. Criteria: Invitae Variant Classification Sherloc (09022015). Collection method: clinical testing. Allele origin: germline.
Comment: This variant has not been reported in the literature in individuals with LRBA-related conditions. In summary, the available evidence is currently insufficient to determine the role of this variant in disease. Therefore, it has been classified as a Variant of Uncertain Significance. Algorithms developed to predict the effect of missense changes on protein structure and function are either unavailable or do not agree on the potential impact of this missense change (SIFT: "Tolerated"; PolyPhen-2: "Probably Damaging"; Align-GVGD: "Class C0"). This variant is not present in population databases (ExAC no frequency). This sequence change replaces glutamine with arginine at codon 1408 of the LRBA protein (p.Gln1408Arg). The glutamine residue is weakly conserved and there is a small physicochemical difference between glutamine and arginine.

NM_001364905.1(LRBA):c.4223A>G (p.Gln1408Arg)

Gene: LRBA (LPS responsive beige-like anchor protein; minus strand). Cytogenetic location: 4q31.3.
Variant type: single nucleotide variant.
Coding change: c.4223A>G on transcript NM_001364905.1 (MANE Select); coding-DNA position 4223, A replaced by G.
Protein change: p.Gln1408Arg; replaces glutamine 1408 with arginine.
Molecular consequence: missense variant.
Genome position (GRCh38, 1-based): chr4:150,848,934, T>C on the plus strand (A>G on the coding strand, the complement: LRBA is on the minus strand). VCF-style: chr4-150848934-T-C. GRCh37 (hg19) VCF-style: chr4-151770086-T-C.
Other names: c.4223A>G, p.Gln1408Arg (NM_001199282.3, NM_001367550.1, NM_006726.5); short protein forms Q1408R.
Identifiers: ClinVar variation 961353 (VCV000961353.9), dbSNP rs1345556680, ClinGen allele CA358453327.